The following is an entry in ClinVar:

ClinVar aggregate classification (germline): Benign/Likely benign. Review status: criteria provided, multiple submitters, no conflicts (2 of 4 stars). 2 submissions from 2 submitters: Benign (1); Likely benign (1). Last evaluated 2025-08-07.

Allele frequency attached by ClinVar (database versions not stated): TOPMed 0.00014; gnomAD 0.00035; gnomAD exomes 0.00060; ExAC 0.00133; 1000 Genomes Project 30x 0.00281; 1000 Genomes Project 0.00300.
gnomAD v4.1: 924 of 1,614,154 alleles (0.057%); highest among the groups gnomAD compares: South Asian, 0.91%; 11 homozygotes.

Submissions (2):

Labcorp Genetics (formerly Invitae), Labcorp
Classification: Benign. Last evaluated: 2025-08-07. Review status: criteria provided, single submitter. Criteria: Invitae Variant Classification Sherloc (09022015). Collection method: clinical testing. Allele origin: germline.

CeGaT Center for Human Genetics Tuebingen
Classification: Likely benign. Last evaluated: 2024-05-01. Review status: criteria provided, single submitter. Criteria: CeGaT Center For Human Genetics Tuebingen Variant Classification Criteria Version 2. Collection method: clinical testing. Allele origin: germline. Affected: yes. Observed: 1 variant allele.
Comment: UNC45B: BS2

NM_001267052.2(UNC45B):c.2114C>T (p.Pro705Leu)

Gene: UNC45B (unc-45 myosin chaperone B; plus strand). Cytogenetic location: 17q12.
Variant type: single nucleotide variant.
Coding change: c.2114C>T on transcript NM_001267052.2 (MANE Select); coding-DNA position 2114, C replaced by T.
Protein change: p.Pro705Leu; replaces proline 705 with leucine.
Molecular consequence: missense variant.
Genome position (GRCh38, 1-based): chr17:35,177,105, C>T. VCF-style: chr17-35177105-C-T. GRCh37 (hg19) VCF-style: chr17-33504124-C-T.
Other names: c.2114C>T, p.Pro705Leu (NM_001033576.2); c.1877C>T, p.Pro626Leu (NM_001308281.1); c.2120C>T, p.Pro707Leu (NM_173167.3); short protein forms P626L, P705L, P707L.
Identifiers: ClinVar variation 3239120 (VCV003239120.20), dbSNP rs371935261.